The following is an entry in ClinVar:

ClinVar aggregate classification (germline): Uncertain significance (1 of 4 stars; one submission).

Conditions:
Renal cell carcinoma. Identifiers: Orphanet 217071, MedGen C0007134, MeSH D002292, MONDO:0005086, HP:0005584.

Submission:

Labcorp Genetics (formerly Invitae), Labcorp
Classification: Uncertain significance for Renal cell carcinoma. Last evaluated: 2025-06-24. Review status: criteria provided, single submitter. Criteria: Invitae Variant Classification Sherloc (09022015). Collection method: clinical testing. Allele origin: germline.
Comment: This sequence change replaces lysine, which is basic and polar, with methionine, which is neutral and non-polar, at codon 80 of the MET protein (p.Lys80Met). This variant is not present in population databases (gnomAD no frequency). This variant has not been reported in the literature in individuals affected with MET-related conditions. Invitae Evidence Modeling of protein sequence and biophysical properties (such as structural, functional, and spatial information, amino acid conservation, physicochemical variation, residue mobility, and thermodynamic stability) indicates that this missense variant is not expected to disrupt MET protein function with a negative predictive value of 80%. In summary, the available evidence is currently insufficient to determine the role of this variant in disease. Therefore, it has been classified as a Variant of Uncertain Significance.

NM_000245.4(MET):c.239A>T (p.Lys80Met)

Gene: MET (MET proto-oncogene, receptor tyrosine kinase; plus strand). Cytogenetic location: 7q31.2.
Variant type: single nucleotide variant.
Coding change: c.239A>T on transcript NM_000245.4 (MANE Select); coding-DNA position 239, A replaced by T.
Protein change: p.Lys80Met; replaces lysine 80 with methionine.
Molecular consequence: missense variant. On other transcripts: intron variant (1).
Genome position (GRCh38, 1-based): chr7:116,699,323, A>T. VCF-style: chr7-116699323-A-T. GRCh37 (hg19) VCF-style: chr7-116339377-A-T.
Other names: c.239A>T, p.Lys80Met (NM_001127500.3, NM_001324401.3); c.-91+26746A>T (NM_001324402.2); short protein forms K80M.
Identifiers: ClinVar variation 4744622 (VCV004744622.1).